The following is an entry in ClinVar:

ClinVar aggregate classification (germline): Benign. Review status: reviewed by expert panel (3 of 4 stars). 7 submissions from 7 submitters: Benign (1). 6 of the submissions do not count toward it. Last evaluated 2025-01-30.

Conditions:
GUCY2D-related recessive retinopathy. Also called: Recessive GUCY2D retinopathy. Identifiers: MedGen CN305603, MONDO:0100453.
Leber congenital amaurosis 1 (LCA1). Also called: Congenital absence of the rods and cones; Leber's congenital tapetoretinal degeneration; Leber's congenital tapetoretinal dysplasia; RETINAL BLINDNESS, CONGENITAL; AMAUROSIS CONGENITA OF LEBER I. Identifiers: Orphanet 65, MedGen C2931258, MONDO:0008764, OMIM 204000.
Cone-rod dystrophy 6 (CORD6). Also called: Cone dystrophy progressive; RETINAL CONE DYSTROPHY 2. Identifiers: Orphanet 1872, MedGen C1866293, MONDO:0011143, OMIM 601777.

Allele frequency attached by ClinVar (database versions not stated): gnomAD 0.00461 and 0.00590; TOPMed 0.00516; ESP Exome Variant Server 0.00546; ExAC 0.00790; 1000 Genomes Project 30x 0.01483; 1000 Genomes Project 0.01577.
gnomAD v4.1: 6,158 of 1,614,102 alleles (0.38%); highest among the groups gnomAD compares: South Asian, 4.3%; 141 homozygotes.

Submissions (7):

ClinGen Leber Congenital Amaurosis/early Onset Retinal Dystrophy Variant Curation Expert Panel, ClinGen
Classification: Benign for GUCY2D-related recessive retinopathy. Last evaluated: 2025-01-30. Review status: reviewed by expert panel. Criteria: ClinGen LCAeoRD ACMG Specifications GUCY2D V1.0.0. Collection method: curation. Allele origin: germline. Inheritance: Autosomal recessive inheritance.
Comment: The NM_000180.4(GUCY2D):c.2577G>T (p.Pro859=) variant is located at the first base of exon 14 and does not alter the amino acid (proline) at position p.859. The splicing impact predictor SpliceAI gives a delta score of 0.03, which is below the ClinGen LCA/eoRD VCEP recommended threshold of <0.1 and does not predict an impact on splicing (BP4). This variant is present in gnomAD v.4.1.0 at a GrpMax allele frequency of 0.04139, with 3871 alleles / 91074 total alleles in the South Asian population, which is higher than the ClinGen LCA / eoRD VCEP BA1 threshold of >0.016 (BA1). This variant has been found in the homozygous state in 141 adult individuals in gnomAD which exceeds the LCA/eoRD VCEP threshold of ≥6 (gnomAD version 4.1.0; BS2). In summary, this variant meets the criteria to be classified as Benign for GUCY2D-related recessive retinopathy based on the ACMG/AMP criteria applied, as specified by the ClinGen LCA/eoRD VCEP: BA1, BS2, BP4. (VCEP specifications version 1.0.0; date of approval 01/22/2025).

Labcorp Genetics (formerly Invitae), Labcorp
Classification: Benign for Leber congenital amaurosis 1; Cone-rod dystrophy 6. Last evaluated: 2026-01-31. Review status: criteria provided, single submitter. Criteria: Invitae Variant Classification Sherloc (09022015). Collection method: clinical testing. Allele origin: germline. Not counted in ClinVar's aggregate classification.

CeGaT Center for Human Genetics Tuebingen
Classification: Benign. Last evaluated: 2025-03-01. Review status: criteria provided, single submitter. Criteria: CeGaT Center For Human Genetics Tuebingen Variant Classification Criteria Version 2. Collection method: clinical testing. Allele origin: germline. Affected: yes. Observed: 1 variant allele. Not counted in ClinVar's aggregate classification.
Comment: GUCY2D: BP4, BP7, BS1, BS2

ARUP Laboratories, Molecular Genetics and Genomics, ARUP Laboratories
Classification: Benign. Last evaluated: 2017-04-28. Review status: criteria provided, single submitter. Criteria: ARUP Molecular Germline Variant Investigation Process. Collection method: clinical testing. Allele origin: germline. Not counted in ClinVar's aggregate classification.

Laboratory for Molecular Medicine, Mass General Brigham Personalized Medicine
Classification: Benign. Last evaluated: 2016-03-28. Review status: criteria provided, single submitter. Criteria: LMM Criteria. Collection method: clinical testing. Allele origin: germline. Not counted in ClinVar's aggregate classification.
Comment: Variant identified in a genome or exome case(s) and assessed due to predicted null impact of the variant or pathogenic assertions in the literature or databases. Disclaimer: This variant has not undergone full assessment. The following are preliminary notes: Frequency

Eurofins Ntd Llc (ga)
Classification: Benign. Last evaluated: 2015-05-13. Review status: criteria provided, single submitter. Criteria: EGL Classification Definitions 2015. Collection method: clinical testing. Allele origin: germline. Observed: 1 variant allele, 1 heterozygote. Not counted in ClinVar's aggregate classification.

Breakthrough Genomics
Classification: Benign. Review status: criteria provided, single submitter. Criteria: ACMG Guidelines, 2015. Collection method: not provided. Allele origin: germline. Inheritance: Autosomal recessive inheritance. Affected: yes. Not counted in ClinVar's aggregate classification.

NM_000180.4(GUCY2D):c.2577G>T (p.Pro859=)

Gene: GUCY2D (guanylate cyclase 2D, retinal; plus strand). Cytogenetic location: 17p13.1.
Variant type: single nucleotide variant.
Coding change: c.2577G>T on transcript NM_000180.4 (MANE Select); coding-DNA position 2577, G replaced by T.
Protein change: p.Pro859=; no amino-acid change (proline 859 retained).
Molecular consequence: synonymous variant.
Genome position (GRCh38, 1-based): chr17:8,014,859, G>T. VCF-style: chr17-8014859-G-T. GRCh37 (hg19) VCF-style: chr17-7918177-G-T.
Other names: NM_000180.4(GUCY2D):c.2577G>T; p.Pro859=.
Identifiers: ClinVar variation 194323 (VCV000194323.34), dbSNP rs112372281, ClinGen allele CA201118.